The following is an entry in ClinVar:

NM_000393.5(COL5A2):c.1715G>A (p.Arg572Gln)

Gene: COL5A2 (collagen type V alpha 2 chain; minus strand). Cytogenetic location: 2q32.2.
Variant type: single nucleotide variant.
Coding change: c.1715G>A on transcript NM_000393.5 (MANE Select); coding-DNA position 1715, G replaced by A.
Protein change: p.Arg572Gln; replaces arginine 572 with glutamine.
Molecular consequence: missense variant.
Genome position (GRCh38, 1-based): chr2:189,064,558, C>T on the plus strand (G>A on the coding strand, the complement: COL5A2 is on the minus strand). VCF-style: chr2-189064558-C-T. GRCh37 (hg19) VCF-style: chr2-189929284-C-T.
Other names: short protein forms R572Q.
Identifiers: ClinVar variation 642815 (VCV000642815.65), dbSNP rs760408439, ClinGen allele CA2022614.

ClinVar aggregate classification (germline): Uncertain significance. Review status: criteria provided, multiple submitters, no conflicts (2 of 4 stars). 6 submissions from 6 submitters: Uncertain significance (6). Last evaluated 2024-12-20.

Conditions:
Ehlers-Danlos syndrome, classic type, 1 (EDSCL1). Also called: EDS I; EHLERS-DANLOS SYNDROME, GRAVIS TYPE; EHLERS-DANLOS SYNDROME, SEVERE CLASSIC TYPE; Ehlers-Danlos Syndrome, Classic Type, COL5A1-Related; Ehlers-Danlos syndrome, type 1. Identifiers: MedGen C0268335, MONDO:0019567, OMIM 130000.
Ehlers-Danlos syndrome, classic type, 2 (EDSCL2). Also called: Ehlers-Danlos Syndrome, Classic Type, COL5A2-Related; Ehlers-Danlos syndrome, type 2; Ehlers-Danlos syndrome type 2 (formerly). Identifiers: Orphanet 287, Orphanet 90318, MedGen C0268336, MONDO:0019568, OMIM 130010.
Ehlers-Danlos syndrome (EDS). Identifiers: Orphanet 98249, MedGen C0013720, MONDO:0020066.
Familial thoracic aortic aneurysm and aortic dissection (TAAD). Also called: Thoracic aortic aneurysms and dissections. Identifiers: Orphanet 91387, MedGen C4707243, MONDO:0019625.

Allele frequency attached by ClinVar (database versions not stated): ExAC 0.00002; gnomAD exomes 0.00003 and 0.00006; gnomAD 0.00001; TOPMed 0.00003.
gnomAD v4.1: 84 of 1,612,036 alleles (0.0052%); highest among the groups gnomAD compares: Non-Finnish European, 0.0067%; no homozygotes.

Submissions (6):

Labcorp Genetics (formerly Invitae), Labcorp
Classification: Uncertain significance for Ehlers-Danlos syndrome, classic type, 1. Last evaluated: 2024-12-20. Review status: criteria provided, single submitter. Criteria: Invitae Variant Classification Sherloc (09022015). Collection method: clinical testing. Allele origin: germline.
Comment: This sequence change replaces arginine, which is basic and polar, with glutamine, which is neutral and polar, at codon 572 of the COL5A2 protein (p.Arg572Gln). This variant is present in population databases (rs760408439, gnomAD 0.005%). This variant has not been reported in the literature in individuals affected with COL5A2-related conditions. ClinVar contains an entry for this variant (Variation ID: 642815). An algorithm developed to predict the effect of missense changes on protein structure and function (PolyPhen-2) suggests that this variant is likely to be disruptive. In summary, the available evidence is currently insufficient to determine the role of this variant in disease. Therefore, it has been classified as a Variant of Uncertain Significance.

Ambry Genetics
Classification: Uncertain significance for Familial thoracic aortic aneurysm and aortic dissection. Last evaluated: 2024-08-30. Review status: criteria provided, single submitter. Criteria: Ambry Variant Classification Scheme 2023. Collection method: clinical testing. Allele origin: germline.
Comment: The p.R572Q variant (also known as c.1715G>A), located in coding exon 25 of the COL5A2 gene, results from a G to A substitution at nucleotide position 1715. The arginine at codon 572 is replaced by glutamine, an amino acid with highly similar properties. This amino acid position is highly conserved in available vertebrate species. In addition, the in silico prediction for this alteration is inconclusive. Based on the available evidence, the clinical significance of this variant remains unclear.

GeneDx
Classification: Uncertain significance. Last evaluated: 2023-11-15. Review status: criteria provided, single submitter. Criteria: GeneDx Variant Classification Process June 2021. Collection method: clinical testing. Allele origin: germline. Affected: yes.
Comment: Has not been previously published as pathogenic or benign to our knowledge; In silico analysis supports that this missense variant has a deleterious effect on protein structure/function

Mayo Clinic Laboratories, Mayo Clinic
Classification: Uncertain significance. Last evaluated: 2022-10-11. Review status: criteria provided, single submitter. Criteria: ACMG Guidelines, 2015. Collection method: clinical testing. Allele origin: germline. Observed: 2 variant alleles.
Comment: BS1

ARUP Laboratories, Molecular Genetics and Genomics, ARUP Laboratories
Classification: Uncertain significance for Ehlers-Danlos syndrome, classic type, 2. Last evaluated: 2019-10-02. Review status: criteria provided, single submitter. Criteria: ARUP Molecular Germline Variant Investigation Process. Collection method: clinical testing. Allele origin: germline.
Comment: The COL5A2 c.1715G>A; p.Arg572Gln variant (rs760408439), to our knowledge, is not reported in the medical literature but is reported in ClinVar (Variation ID: 642815). This variant is found on nine chromosomes (9/282410 alleles) in the Genome Aggregation Database. The arginine at codon 572 is highly conserved, and computational analyses (SIFT, PolyPhen-2) predict that this variant is deleterious. However, due to limited information, the clinical significance of the p.Arg572Gln variant is uncertain at this time.

Genome Diagnostics Laboratory, The Hospital for Sick Children
Classification: Uncertain significance for Ehlers-Danlos syndrome. Last evaluated: 2019-07-24. Review status: criteria provided, single submitter. Criteria: ACMG Guidelines, 2015. Collection method: clinical testing. Allele origin: germline.